The following is an entry in ClinVar:

NM_018238.4(AGK):c.221+1dup

Gene: AGK (acylglycerol kinase; plus strand). Cytogenetic location: 7q34.
Variant type: Duplication.
Coding change: c.221+1dup on transcript NM_018238.4 (MANE Select); the canonical splice donor site of the intron after coding-DNA position 221, one base duplicated (G; older notation c.221+1dupG).
Molecular consequence: splice donor variant.
Genome position (GRCh38, 1-based): chr7:141,596,642, G duplicated; the last of 3 consecutive G bases (chr7:141,596,640-141,596,642); duplicating any one gives the same sequence. VCF-style (leftmost placement, unchanged base first): chr7-141596639-A-AG. GRCh37 (hg19) VCF-style: chr7-141296439-A-AG.
Other names: c.221+1dup (NM_001364948.3).
Identifiers: ClinVar variation 4085466 (VCV004085466.8).

ClinVar aggregate classification (germline): Pathogenic (1 of 4 stars; one submission).

Submission:

CeGaT Center for Human Genetics Tuebingen
Classification: Pathogenic. Last evaluated: 2025-07-01. Review status: criteria provided, single submitter. Criteria: CeGaT Center For Human Genetics Tuebingen Variant Classification Criteria Version 2. Collection method: clinical testing. Allele origin: germline. Affected: yes. Observed: 1 variant allele.
Comment: AGK: PVS1, PM2, PM3